The following is an entry in ClinVar:

ClinVar aggregate classification (germline): Uncertain significance (1 of 4 stars; one submission).

Conditions:
Hereditary cancer-predisposing syndrome. Also called: Neoplastic Syndromes, Hereditary; Tumor predisposition; Hereditary neoplastic syndrome; Hereditary Cancer Syndrome. Identifiers: Orphanet 140162, MedGen C0027672, MeSH D009386, MONDO:0015356.

Submission:

Ambry Genetics
Classification: Uncertain significance for Hereditary cancer-predisposing syndrome. Last evaluated: 2023-01-05. Review status: criteria provided, single submitter. Criteria: Ambry Variant Classification Scheme 2023. Collection method: clinical testing. Allele origin: germline.
Comment: The p.G299R variant (also known as c.895G>A), located in coding exon 7 of the RAD50 gene, results from a G to A substitution at nucleotide position 895. The glycine at codon 299 is replaced by arginine, an amino acid with dissimilar properties. This amino acid position is conserved. In addition, the in silico prediction for this alteration is inconclusive. Since supporting evidence is limited at this time, the clinical significance of this alteration remains unclear.

NM_005732.4(RAD50):c.895G>A (p.Gly299Arg)

Gene: RAD50 (RAD50 double strand break repair protein; plus strand). Cytogenetic location: 5q31.1.
Variant type: single nucleotide variant.
Coding change: c.895G>A on transcript NM_005732.4 (MANE Select); coding-DNA position 895, G replaced by A.
Protein change: p.Gly299Arg; replaces glycine 299 with arginine.
Molecular consequence: missense variant.
Genome position (GRCh38, 1-based): chr5:132,587,933, G>A. VCF-style: chr5-132587933-G-A. GRCh37 (hg19) VCF-style: chr5-131923625-G-A.
Other names: short protein forms G299R.
Identifiers: ClinVar variation 2451420 (VCV002451420.2), dbSNP rs2479632391, ClinGen allele CA360940761.